The following is an entry in ClinVar:

ClinVar aggregate classification (germline): Uncertain significance. Review status: criteria provided, multiple submitters, no conflicts (2 of 4 stars). 2 submissions from 2 submitters: Uncertain significance (2). Last evaluated 2021-11-30.

Conditions:
Microvascular complications of diabetes, susceptibility to, 3. Identifiers: MedGen C2675470, MONDO:0012963, OMIM 612624.
Hemorrhage, intracerebral, susceptibility to (ICH). Also called: Stroke, hemorrhagic, susceptibility to. Identifiers: MedGen C3281105, MONDO:0100533, OMIM 614519.
Renal tubular dysgenesis of genetic origin. Also called: PRIMITIVE RENAL TUBULE SYNDROME. Identifiers: Orphanet 97369, MedGen C5681536, MONDO:0009970, OMIM 267430.

Allele frequency attached by ClinVar (database versions not stated): ExAC 0.00005; ESP Exome Variant Server 0.00008; gnomAD exomes 0.00008 and 0.00018; TOPMed 0.00013; gnomAD 0.00017.
gnomAD v4.1: 281 of 1,613,116 alleles (0.017%); highest among the groups gnomAD compares: Non-Finnish European, 0.022%; no homozygotes.

Submissions (2):

Fulgent Genetics
Classification: Uncertain significance for Renal tubular dysgenesis of genetic origin; Microvascular complications of diabetes, susceptibility to, 3; Hemorrhage, intracerebral, susceptibility to. Last evaluated: 2021-11-30. Review status: criteria provided, single submitter. Criteria: ACMG Guidelines, 2015. Collection method: clinical testing. Allele origin: unknown.

Labcorp Genetics (formerly Invitae), Labcorp
Classification: Uncertain significance. Last evaluated: 2021-09-30. Review status: criteria provided, single submitter. Criteria: Invitae Variant Classification Sherloc (09022015). Collection method: clinical testing. Allele origin: germline.
Comment: This sequence change replaces valine with methionine at codon 773 of the ACE protein (p.Val773Met). The valine residue is weakly conserved and there is a small physicochemical difference between valine and methionine. This variant is present in population databases (rs143830698, ExAC 0.007%). This variant has not been reported in the literature in individuals affected with ACE-related conditions. Algorithms developed to predict the effect of missense changes on protein structure and function output the following: SIFT: "Tolerated"; PolyPhen-2: "Benign"; Align-GVGD: "Class C0". The methionine amino acid residue is found in multiple mammalian species, which suggests that this missense change does not adversely affect protein function. In summary, the available evidence is currently insufficient to determine the role of this variant in disease. Therefore, it has been classified as a Variant of Uncertain Significance.

NM_000789.4(ACE):c.2317G>A (p.Val773Met)

Gene: ACE (angiotensin I converting enzyme; plus strand). Cytogenetic location: 17q23.3.
Variant type: single nucleotide variant.
Coding change: c.2317G>A on transcript NM_000789.4 (MANE Select); coding-DNA position 2317, G replaced by A.
Protein change: p.Val773Met; replaces valine 773 with methionine.
Molecular consequence: missense variant. On other transcripts: non-coding transcript variant (1).
Genome position (GRCh38, 1-based): chr17:63,488,659, G>A. VCF-style: chr17-63488659-G-A. GRCh37 (hg19) VCF-style: chr17-61566020-G-A.
Other names: c.595G>A, p.Val199Met (NM_001178057.2, NM_152830.3); c.1750G>A, p.Val584Met (NM_001382700.1); c.1465G>A, p.Val489Met (NM_001382701.1); c.247G>A, p.Val83Met (NM_001382702.1); short protein forms V584M, V773M, V83M, V489M, V199M.
Identifiers: ClinVar variation 1514880 (VCV001514880.6), dbSNP rs143830698, ClinGen allele CA8700059.
Genomic context (GRCh38, chr17:63,488,659, plus strand): 5'-GCAGAGGTGAGCTAAGGGCTGGAGCTCAAGGCATTCAAACCCCTACCAGATCTGACGAAT[G>A]TGATGGCCACGTCCCGGAAATATGAAGACCTGTTATGGGCATGGGAGGGCTGGCGAGACA-3'
Protein context (NP_000780.1, residues 763-783): CLQLEPDLTN[Val773Met]MATSRKYEDL